The following is an entry in ClinVar:

ClinVar aggregate classification (germline): Uncertain significance (1 of 4 stars; one submission).

Conditions:
Inborn genetic diseases. Identifiers: MedGen C0950123, MeSH D030342.

gnomAD v4.1: 1 of 1,614,128 alleles (0.000062%); highest among the groups gnomAD compares: South Asian, 0.0011%; no homozygotes.

Submission:

Ambry Genetics
Classification: Uncertain significance for Inborn genetic diseases. Last evaluated: 2024-09-23. Review status: criteria provided, single submitter. Criteria: Ambry Variant Classification Scheme 2023. Collection method: clinical testing. Allele origin: germline.
Comment: The p.K338N variant (also known as c.1014G>C), located in coding exon 4 of the ATR gene, results from a G to C substitution at nucleotide position 1014. The lysine at codon 338 is replaced by asparagine, an amino acid with similar properties. This amino acid position is conserved. In addition, this alteration is predicted to be tolerated by in silico analysis. Based on the available evidence, the clinical significance of this variant remains unclear.

NM_001184.4(ATR):c.1014G>C (p.Lys338Asn)

Gene: ATR (ATR serine/threonine kinase; minus strand). Cytogenetic location: 3q23.
Variant type: single nucleotide variant.
Coding change: c.1014G>C on transcript NM_001184.4 (MANE Select); coding-DNA position 1014, G replaced by C.
Protein change: p.Lys338Asn; replaces lysine 338 with asparagine.
Molecular consequence: missense variant.
Genome position (GRCh38, 1-based): chr3:142,562,388, C>G on the plus strand (G>C on the coding strand, the complement: ATR is on the minus strand). VCF-style: chr3-142562388-C-G. GRCh37 (hg19) VCF-style: chr3-142281230-C-G.
Other names: c.1014G>C, p.Lys338Asn (NM_001354579.2); short protein forms K338N.
Identifiers: ClinVar variation 3462774 (VCV003462774.1).